The following is an entry in ClinVar:

ClinVar aggregate classification (germline): Likely benign (1 of 4 stars; one submission).

Submission:

CeGaT Center for Human Genetics Tuebingen
Classification: Likely benign. Last evaluated: 2023-08-01. Review status: criteria provided, single submitter. Criteria: CeGaT Center For Human Genetics Tuebingen Variant Classification Criteria Version 2. Collection method: clinical testing. Allele origin: germline. Affected: yes. Observed: 1 variant allele.
Comment: TAF1: BP4, BP7

NM_004606.5(TAF1):c.627C>G (p.Thr209=)

Gene: TAF1 (TATA-box binding protein associated factor 1; plus strand). Cytogenetic location: Xq13.1.
Variant type: single nucleotide variant.
Coding change: c.627C>G on transcript NM_004606.5 (MANE Select); coding-DNA position 627, C replaced by G.
Protein change: p.Thr209=; no amino-acid change (threonine 209 retained).
Molecular consequence: synonymous variant. On other transcripts: non-coding transcript variant (9).
Genome position (GRCh38, 1-based): chrX:71,377,104, C>G. VCF-style: chrX-71377104-C-G. GRCh37 (hg19) VCF-style: chrX-70596954-C-G.
Other names: c.627C>G, p.Thr209= (NM_001286074.2); c.564C>G, p.Thr188= (NM_138923.4).
Identifiers: ClinVar variation 2660875 (VCV002660875.24), dbSNP rs1471678329, ClinGen allele CA516710163.